The following is an entry in ClinVar:

ClinVar aggregate classification (germline): Pathogenic. Review status: criteria provided, multiple submitters, no conflicts (2 of 4 stars). 4 submissions from 4 submitters: Pathogenic (4). Last evaluated 2025-12-26.

Conditions:
Familial hypobetalipoproteinemia 1. Also called: APOB-Related Familial Hypobetalipoproteinemia; Hypobetalipoproteinemia, normotriglyceridemic; Acanthocytosis with hypobetalipoproteinemia. Identifiers: MedGen C4551990, MONDO:0014252, OMIM 615558.
Hypercholesterolemia, autosomal dominant, type B (FHCL2). Also called: APOB-Related Familial Hypercholesterolemia, Autosomal Dominant; Familial Hypercholesterolemia Type B; APOLIPOPROTEIN B-100, FAMILIAL DEFECTIVE; APOLIPOPROTEIN B-100, FAMILIAL LIGAND-DEFECTIVE; Hyperlipoproteinemia Type IIb; Familial hypercholesterolemia 2. Identifiers: MedGen C1704417, MONDO:0007751, OMIM 144010.
Hypercholesterolemia, familial, 1. Also called: LDL RECEPTOR DISORDER; Hyperlipoproteinemia Type IIa; HYPER-LOW-DENSITY-LIPOPROTEINEMIA; HYPERCHOLESTEROLEMIC XANTHOMATOSIS, FAMILIAL; Fredrickson type IIa hyperlipoproteinemia; Hyperlipoproteinemia type 2. Identifiers: Orphanet 391665, MedGen C0745103, MONDO:0007750, OMIM 143890.

Allele frequency attached by ClinVar (database versions not stated): gnomAD 0.00001; TOPMed 0.00001; ESP Exome Variant Server 0.00008.
gnomAD v4.1: 1 of 1,606,730 alleles (0.000062%); highest among the groups gnomAD compares: Non-Finnish European, 0.000085%; no homozygotes.

Submissions (4):

Dasa
Classification: Pathogenic. Last evaluated: 2025-12-26. Review status: criteria provided, single submitter. Criteria: DASA Assertion Criteria. Collection method: clinical testing. Allele origin: germline.
Comment: NM_000384.3(APOB):c.4651C>T (p.Gln1551*) introduces a premature termination codon predicted to result in loss of normal protein function. Loss-of-function is an established mechanism of disease for this gene. This variant has been reported in individuals with related phenotype (PMID: 24507775). The variant is present at low frequency in population datasets. Based on the available data, this variant is classified as pathogenic.

Mendelics
Classification: Pathogenic for Familial hypobetalipoproteinemia 1. Last evaluated: 2023-09-09. Review status: criteria provided, single submitter. Criteria: Mendelics Assertion Criteria 2019. Collection method: clinical testing. Allele origin: germline.

Labcorp Genetics (formerly Invitae), Labcorp
Classification: Pathogenic for Familial hypobetalipoproteinemia 1; Hypercholesterolemia, autosomal dominant, type B. Last evaluated: 2022-08-16. Review status: criteria provided, single submitter. Criteria: Invitae Variant Classification Sherloc (09022015). Collection method: clinical testing. Allele origin: germline.
Comment: For these reasons, this variant has been classified as Pathogenic. ClinVar contains an entry for this variant (Variation ID: 431499). This premature translational stop signal has been observed in individual(s) with low low-density lipoprotein cholesterol (PMID: 24507775). This variant is not present in population databases (gnomAD no frequency). This sequence change creates a premature translational stop signal (p.Gln1551*) in the APOB gene. It is expected to result in an absent or disrupted protein product. Loss-of-function variants in APOB are known to be pathogenic (PMID: 20032471).

Laboratory of Genetics and Molecular Cardiology, University of São Paulo
Classification: Pathogenic for Familial hypercholesterolemia. Last evaluated: 2016-03-01. Review status: criteria provided, single submitter. Criteria: ACMG Guidelines, 2015. Collection method: research. Allele origin: germline. Inheritance: Autosomal dominant inheritance. Study: HipercolBrasil.

Literature cited by the submitters: PubMed 24507775 (cited by Dasa and Labcorp Genetics (formerly Invitae), Labcorp); PubMed 20032471 (cited by Labcorp Genetics (formerly Invitae), Labcorp).

NM_000384.3(APOB):c.4651C>T (p.Gln1551Ter)

Gene: APOB (apolipoprotein B; minus strand). Cytogenetic location: 2p24.1.
Variant type: single nucleotide variant.
Coding change: c.4651C>T on transcript NM_000384.3 (MANE Select); coding-DNA position 4651, C replaced by T.
Protein change: p.Gln1551Ter; replaces glutamine 1551 with a stop codon.
Molecular consequence: nonsense.
Genome position (GRCh38, 1-based): chr2:21,012,217, G>A on the plus strand (C>T on the coding strand, the complement: APOB is on the minus strand). VCF-style: chr2-21012217-G-A. GRCh37 (hg19) VCF-style: chr2-21235089-G-A.
Other names: short protein forms Q1551*.
Identifiers: ClinVar variation 431499 (VCV000431499.9), dbSNP rs142017360, ClinGen allele CA43507989.